The following is an entry in ClinVar:

NM_030922.7(NIPA2):c.1017C>T (p.Thr339=)

Gene: NIPA2 (NIPA magnesium transporter 2; plus strand). Cytogenetic location: 15q11.2.
Variant type: single nucleotide variant.
Coding change: c.1017C>T on transcript NM_030922.7 (MANE Select); coding-DNA position 1017, C replaced by T.
Protein change: p.Thr339=; no amino-acid change (threonine 339 retained).
Molecular consequence: synonymous variant.
Genome position (GRCh38, 1-based): chr15:22,866,781, C>T. VCF-style: chr15-22866781-C-T. GRCh37 (hg19) VCF-style: chr15-23006287-G-A.
Other names: c.1017C>T, p.Thr339= (NM_001008860.3, NM_001008892.3, NM_001184889.2); c.960C>T, p.Thr320= (NM_001008894.3, NM_001184888.2).
Identifiers: ClinVar variation 3047401 (VCV003047401.2), dbSNP rs753123113, ClinGen allele CA7425661.

ClinVar aggregate classification (germline): Likely benign (0 of 4 stars; one submission).

Conditions:
NIPA2-related disorder. Also called: NIPA2-related condition.

Allele frequency attached by ClinVar (database versions not stated): gnomAD 0.00007; ExAC 0.00047.

Submission:

PreventionGenetics, part of Exact Sciences
Classification: Likely benign for NIPA2-related condition. Last evaluated: 2019-02-20. Review status: no assertion criteria provided. Collection method: clinical testing. Allele origin: germline.
Comment: This variant is classified as likely benign based on ACMG/AMP sequence variant interpretation guidelines (Richards et al. 2015 PMID: 25741868, with internal and published modifications).